The following is an entry in ClinVar:

ClinVar aggregate classification (germline): Pathogenic (1 of 4 stars; one submission).

Submission:

ARUP Laboratories, Molecular Genetics and Genomics, ARUP Laboratories
Classification: Pathogenic. Last evaluated: 2022-12-01. Review status: criteria provided, single submitter. Criteria: ARUP Molecular Germline Variant Investigation Process 2024. Collection method: clinical testing. Allele origin: germline.
Comment: The SLC4A1 c.407_408del; p.Leu136ArgfsTer6 variant, to our knowledge, is not reported in the medical literature or gene specific databases. This variant is also absent from the Genome Aggregation Database, indicating it is not a common polymorphism. This variant causes a frameshift by deleting two nucleotides, so it is predicted to result in a truncated protein or mRNA subject to nonsense-mediated decay. Additionally, several downstream truncating variants have been described in individuals with Spherocytosis type 4 and are considered pathogenic (Dhermy 1997, Eber 1996, Jarolim 1994). Based on available information, this variant is considered to be pathogenic. REFERENCES Dhermy D et al. Heterogenous band 3 deficiency in hereditary spherocytosis related to different band 3 gene defects. Br J Haematol. 1997 Jul. PMID: 9233560 Eber SW et al. Ankyrin-1 mutations are a major cause of dominant and recessive hereditary spherocytosis. Nature genetics. 1996 Jun. PMID: 8640229 Jarolim P et al. Duplication of 10 nucleotides in the erythroid band 3 (AE1) gene in a kindred with hereditary spherocytosis and band 3 protein deficiency (band 3PRAGUE). J Clin Invest. 1994 Jan. PMID: 8282779

NM_000342.4(SLC4A1):c.407_408del (p.Leu136fs)

Gene: SLC4A1 (solute carrier family 4 member 1 (Diego blood group); minus strand). Cytogenetic location: 17q21.31.
Variant type: Deletion.
Coding change: c.407_408del on transcript NM_000342.4 (MANE Select); coding-DNA positions 407 to 408, 2 bases deleted (TA; older notation c.407_408delTA).
Protein change: p.Leu136fs; shifts the reading frame from leucine 136.
Molecular consequence: frameshift variant.
Genome position (GRCh38, 1-based): chr17:44,260,481-44,260,482, TA deleted on the plus strand (TA on the coding strand, the reverse complement: SLC4A1 is on the minus strand). VCF-style (leftmost placement, unchanged base first): chr17-44260480-CTA-C. GRCh37 (hg19) VCF-style: chr17-42337848-CTA-C.
Other names: short protein forms L136fs.
Identifiers: ClinVar variation 2920828 (VCV002920828.1), dbSNP rs2509970675, ClinGen allele CA2739267575.
Genomic context (GRCh38, chr17:44,260,480, plus strand): 5'-GGGCCCGGAGCAGCTCCTCTCGGTCCTGAGGCCGGATCTGGTCTTCAAAGATAAACCTGT[CTA>C]GCAGTTGGTTGGCCACTCCAGCCAGGGAGGTCTCTTGCAGGTCTAGGAGGACAGTACCTG-3'